The following is an entry in ClinVar:

NM_017514.5(PLXNA3):c.2043+7C>T

Gene: PLXNA3 (plexin A3; plus strand). Cytogenetic location: Xq28.
Variant type: single nucleotide variant.
Coding change: c.2043+7C>T on transcript NM_017514.5 (MANE Select); 7 bases into the intron after coding-DNA position 2043, C replaced by T.
Molecular consequence: intron variant.
Genome position (GRCh38, 1-based): chrX:154,464,875, C>T. VCF-style: chrX-154464875-C-T. GRCh37 (hg19) VCF-style: chrX-153693218-C-T.
Identifiers: ClinVar variation 2636581 (VCV002636581.2), dbSNP rs375016053, ClinGen allele CA10564249.

ClinVar aggregate classification (germline): Uncertain significance (1 of 4 stars; one submission).

Conditions:
PLXNA3-related disorder. Also called: PLXNA3-related condition.

Allele frequency attached by ClinVar (database versions not stated): TOPMed 0.00001; gnomAD 0.00002.
gnomAD v4.1: 27 of 1,156,914 alleles (0.0023%); highest among the groups gnomAD compares: South Asian, 0.017%; no homozygotes.

Submission:

PreventionGenetics, part of Exact Sciences
Classification: Uncertain significance for PLXNA3-related condition. Last evaluated: 2024-11-18. Review status: criteria provided, single submitter. Criteria: ACMG Guidelines, 2015. Collection method: clinical testing. Allele origin: germline.
Comment: The PLXNA3 c.2043+7C>T variant is predicted to interfere with splicing. To our knowledge, this variant has not been reported in the literature. This variant is reported in 0.020% of alleles in individuals of South Asian descent in gnomAD. At this time, the clinical significance of this variant is uncertain due to the absence of conclusive functional and genetic evidence.